The following is an entry in ClinVar:

NM_000053.4(ATP7B):c.1202T>C (p.Val401Ala)

Gene: ATP7B (ATPase copper transporting beta; minus strand). Cytogenetic location: 13q14.3.
Variant type: single nucleotide variant.
Coding change: c.1202T>C on transcript NM_000053.4 (MANE Select); coding-DNA position 1202, T replaced by C.
Protein change: p.Val401Ala; replaces valine 401 with alanine.
Molecular consequence: missense variant.
Genome position (GRCh38, 1-based): chr13:51,974,018, A>G on the plus strand (T>C on the coding strand, the complement: ATP7B is on the minus strand). VCF-style: chr13-51974018-A-G. GRCh37 (hg19) VCF-style: chr13-52548154-A-G.
Other names: c.1202T>C, p.Val401Ala (NM_001005918.3, NM_001330578.2, NM_001330579.2 and 29 more transcripts); c.869T>C, p.Val290Ala (NM_001243182.2); c.1106T>C, p.Val369Ala (NM_001406517.1, NM_001406518.1, NM_001406530.1 and 3 more transcripts); c.773T>C, p.Val258Ala (NM_001406539.1); short protein forms V258A, V401A, V369A, V290A.
Identifiers: ClinVar variation 1747982 (VCV001747982.2), dbSNP rs2547813898, ClinGen allele CA388038432.

ClinVar aggregate classification (germline): Uncertain significance (1 of 4 stars; one submission).

Conditions:
Inborn genetic diseases. Identifiers: MedGen C0950123, MeSH D030342.

Submission:

Ambry Genetics
Classification: Uncertain significance for Inborn genetic diseases. Last evaluated: 2022-01-02. Review status: criteria provided, single submitter. Criteria: Ambry Variant Classification Scheme 2023. Collection method: clinical testing. Allele origin: germline.
Comment: The p.V401A variant (also known as c.1202T>C), located in coding exon 2 of the ATP7B gene, results from a T to C substitution at nucleotide position 1202. The valine at codon 401 is replaced by alanine, an amino acid with similar properties. This amino acid position is conserved. In addition, the in silico prediction for this alteration is inconclusive. Since supporting evidence is limited at this time, the clinical significance of this alteration remains unclear.